The following is an entry in ClinVar:

ClinVar aggregate classification (germline): Benign. Review status: criteria provided, multiple submitters, no conflicts (2 of 4 stars). 2 submissions from 2 submitters: Benign (2). Last evaluated 2018-06-19.

Allele frequency attached by ClinVar (database versions not stated): gnomAD 0.13952; TOPMed 0.15447; 1000 Genomes Project 30x 0.28907; 1000 Genomes Project 0.29934.
gnomAD v4.1: 15,506 of 109,600 alleles (14%); highest among the groups gnomAD compares: East Asian, 70%; 1,267 homozygotes.

Submissions (2):

GeneDx
Classification: Benign. Last evaluated: 2018-06-19. Review status: criteria provided, single submitter. Criteria: GeneDx Variant Classification (06012015). Collection method: clinical testing. Allele origin: germline. Affected: yes.
Comment: This variant is considered likely benign or benign based on one or more of the following criteria: it is a conservative change, it occurs at a poorly conserved position in the protein, it is predicted to be benign by multiple in silico algorithms, and/or has population frequency not consistent with disease.

Breakthrough Genomics
Classification: Benign. Review status: criteria provided, single submitter. Criteria: ACMG Guidelines, 2015. Collection method: not provided. Allele origin: germline. Inheritance: X-linked inheritance. Affected: yes.

NM_001123385.2(BCOR):c.3503-158C>A

Gene: BCOR (BCL6 corepressor; minus strand). Cytogenetic location: Xp11.4.
Variant type: single nucleotide variant.
Coding change: c.3503-158C>A on transcript NM_001123385.2 (MANE Select); 158 bases into the intron before coding-DNA position 3503, C replaced by A.
Molecular consequence: intron variant.
Genome position (GRCh38, 1-based): chrX:40,064,110, G>T on the plus strand (C>A on the coding strand, the complement: BCOR is on the minus strand). VCF-style: chrX-40064110-G-T. GRCh37 (hg19) VCF-style: chrX-39923363-G-T.
Other names: c.3448+226C>A (NM_001123384.2); c.3449-158C>A (NM_001438207.1); c.3502+226C>A (NM_001123383.2, NM_001438208.1, NM_017745.6); c.3503-158C>A (NM_001437510.1, NM_001437511.1).
Identifiers: ClinVar variation 674197 (VCV000674197.2), dbSNP rs5963155, ClinGen allele CA15005961.
Genomic context (GRCh38, chrX:40,064,110, plus strand): 5'-CACTGGTCTCTGCTTTTGGGAAGGGGCCTAATCATCTTTGGCCATCTGGGTTCTGGCTTT[G>T]GGGGAGGGGAGGTGTGGGCGGCTCCCCCCGGGGGCTCCAGGGTGGGAACCTCACGAGGCA-3'